The following is an entry in ClinVar:

ClinVar aggregate classification (germline): Likely benign (1 of 4 stars; one submission).

Conditions:
RPH3A-related condition.

gnomAD v4.1: 32 of 1,613,932 alleles (0.002%); highest among the groups gnomAD compares: South Asian, 0.023%; no homozygotes.

Submission:

PreventionGenetics, part of Exact Sciences
Classification: Likely benign for RPH3A-related condition. Last evaluated: 2025-10-23. Review status: criteria provided, single submitter. Criteria: ACMG Guidelines, 2015. Collection method: clinical testing. Allele origin: germline.
Comment: This variant is classified as likely benign based on ACMG/AMP sequence variant interpretation guidelines (Richards et al. 2015 PMID: 25741868, with internal and published modifications).

NM_001143854.2(RPH3A):c.1645G>A (p.Glu549Lys)

Gene: RPH3A (rabphilin 3A; plus strand). Cytogenetic location: 12q24.13.
Variant type: single nucleotide variant.
Coding change: c.1645G>A on transcript NM_001143854.2 (MANE Select); coding-DNA position 1645, G replaced by A.
Protein change: p.Glu549Lys; replaces glutamic acid 549 with lysine.
Molecular consequence: missense variant. On other transcripts: non-coding transcript variant (2).
Genome position (GRCh38, 1-based): chr12:112,890,873, G>A. VCF-style: chr12-112890873-G-A. GRCh37 (hg19) VCF-style: chr12-113328678-G-A.
Other names: c.1645G>A, p.Glu549Lys (NM_001347952.2, NM_001347953.1, NM_001347954.2); c.1444G>A, p.Glu482Lys (NM_001347955.2); c.1633G>A, p.Glu545Lys (NM_014954.4); short protein forms E482K, E545K, E549K.
Identifiers: ClinVar variation 4979266 (VCV004979266.1).